The following is an entry in ClinVar:

NM_014946.4(SPAST):c.1274C>G (p.Ala425Gly)

Gene: SPAST (spastin; plus strand). Cytogenetic location: 2p22.3.
Variant type: single nucleotide variant.
Coding change: c.1274C>G on transcript NM_014946.4 (MANE Select); coding-DNA position 1274, C replaced by G.
Protein change: p.Ala425Gly; replaces alanine 425 with glycine.
Molecular consequence: missense variant.
Genome position (GRCh38, 1-based): chr2:32,136,591, C>G. VCF-style: chr2-32136591-C-G. GRCh37 (hg19) VCF-style: chr2-32361660-C-G.
Other names: c.1271C>G, p.Ala424Gly (NM_001363823.2); c.1175C>G, p.Ala392Gly (NM_001363875.2); c.1178C>G, p.Ala393Gly (NM_001377959.1, NM_199436.2); short protein forms A393G, A425G, A392G, A424G.
Identifiers: ClinVar variation 4741820 (VCV004741820.1).

ClinVar aggregate classification (germline): Uncertain significance (1 of 4 stars; one submission).

Conditions:
Hereditary spastic paraplegia 4. Also called: Spastic paraplegia 4, autosomal dominant; Spastic Paraplegia 4; Familial spastic paraplegia autosomal dominant 2. Identifiers: Orphanet 100985, MedGen C1866855, MONDO:0008438, OMIM 182601.

Submission:

Labcorp Genetics (formerly Invitae), Labcorp
Classification: Uncertain significance for Hereditary spastic paraplegia 4. Last evaluated: 2025-10-06. Review status: criteria provided, single submitter. Criteria: Invitae Variant Classification Sherloc (09022015). Collection method: clinical testing. Allele origin: germline.
Comment: This sequence change replaces alanine, which is neutral and non-polar, with glycine, which is neutral and non-polar, at codon 425 of the SPAST protein (p.Ala425Gly). This variant is not present in population databases (gnomAD no frequency). This variant has not been reported in the literature in individuals affected with SPAST-related conditions. Invitae Evidence Modeling of protein sequence and biophysical properties (such as structural, functional, and spatial information, amino acid conservation, physicochemical variation, residue mobility, and thermodynamic stability) indicates that this missense variant is not expected to disrupt SPAST protein function with a negative predictive value of 80%. This variant disrupts the p.Ala425 amino acid residue in SPAST. Other variant(s) that disrupt this residue have been determined to be pathogenic (PMID: 29246610). This suggests that this residue is clinically significant, and that variants that disrupt this residue are likely to be disease-causing. In summary, the available evidence is currently insufficient to determine the role of this variant in disease. Therefore, it has been classified as a Variant of Uncertain Significance.

Literature cited by the submitters: PubMed 29246610.